The following is an entry in ClinVar:

NM_023936.2(MRPS34):c.507C>T (p.Leu169=)

Gene: MRPS34 (mitochondrial ribosomal protein S34; minus strand). Cytogenetic location: 16p13.3.
Variant type: single nucleotide variant.
Coding change: c.507C>T on transcript NM_023936.2 (MANE Select); coding-DNA position 507, C replaced by T.
Protein change: p.Leu169=; no amino-acid change (leucine 169 retained).
Molecular consequence: synonymous variant.
Genome position (GRCh38, 1-based): chr16:1,772,371, G>A on the plus strand (C>T on the coding strand, the complement: MRPS34 is on the minus strand). VCF-style: chr16-1772371-G-A. GRCh37 (hg19) VCF-style: chr16-1822372-G-A.
Other names: c.528C>T, p.Leu176= (NM_001300900.2).
Identifiers: ClinVar variation 1600465 (VCV001600465.39), dbSNP rs147183681, ClinGen allele CA7818318.

ClinVar aggregate classification (germline): Benign/Likely benign. Review status: criteria provided, multiple submitters, no conflicts (2 of 4 stars). 3 submissions from 3 submitters: Benign (1); Likely benign (2). Last evaluated 2026-08-01.

Allele frequency attached by ClinVar (database versions not stated): 1000 Genomes Project 30x 0.00109; 1000 Genomes Project 0.00140; TOPMed 0.00142; ESP Exome Variant Server 0.00200; gnomAD exomes 0.00265 and 0.00392; gnomAD 0.00276 and 0.00283; ExAC 0.00398.

Submissions (3):

CeGaT Center for Human Genetics Tuebingen
Classification: Likely benign. Last evaluated: 2026-08-01. Review status: criteria provided, single submitter. Criteria: CeGaT Center For Human Genetics Tuebingen Variant Classification Criteria Version 2. Collection method: clinical testing. Allele origin: germline. Affected: yes. Observed: 7 variant alleles.
Comment: MRPS34: BP4, BP7

Labcorp Genetics (formerly Invitae), Labcorp
Classification: Benign. Last evaluated: 2026-01-16. Review status: criteria provided, single submitter. Criteria: Invitae Variant Classification Sherloc (09022015). Collection method: clinical testing. Allele origin: germline.

Breakthrough Genomics
Classification: Likely benign. Review status: criteria provided, single submitter. Criteria: ACMG Guidelines, 2015. Collection method: not provided. Allele origin: germline. Inheritance: Autosomal recessive inheritance. Affected: yes.